The following is an entry in ClinVar:

ClinVar aggregate classification (germline): Uncertain significance (1 of 4 stars; one submission).

gnomAD v4.1: 2 of 1,613,400 alleles (0.00012%); highest among the groups gnomAD compares: Non-Finnish European, 0.00017%; no homozygotes.

Submission:

Ambry Genetics
Classification: Uncertain significance. Last evaluated: 2022-05-01. Review status: criteria provided, single submitter. Criteria: Ambry Variant Classification Scheme 2023. Collection method: clinical testing. Allele origin: germline.
Comment: The p.K1108N variant (also known as c.3324A>C), located in coding exon 16 of the POLQ gene, results from an A to C substitution at nucleotide position 3324. The lysine at codon 1108 is replaced by asparagine, an amino acid with similar properties. This amino acid position is conserved. In addition, this alteration is predicted to be tolerated by in silico analysis. Since supporting evidence is limited at this time, the clinical significance of this alteration remains unclear.

NM_199420.4(POLQ):c.3324A>C (p.Lys1108Asn)

Gene: POLQ (DNA polymerase theta; minus strand). Cytogenetic location: 3q13.33.
Variant type: single nucleotide variant.
Coding change: c.3324A>C on transcript NM_199420.4 (MANE Select); coding-DNA position 3324, A replaced by C.
Protein change: p.Lys1108Asn; replaces lysine 1108 with asparagine.
Molecular consequence: missense variant.
Genome position (GRCh38, 1-based): chr3:121,489,607, T>G on the plus strand (A>C on the coding strand, the complement: POLQ is on the minus strand). VCF-style: chr3-121489607-T-G. GRCh37 (hg19) VCF-style: chr3-121208454-T-G.
Other names: short protein forms K1108N.
Identifiers: ClinVar variation 1730227 (VCV001730227.2), dbSNP rs2546787540, ClinGen allele CA354100652.
Genomic context (GRCh38, chr3:121,489,607, plus strand): 5'-TAGTGTTATGTTCCATGAACAATTTTGCTTTATTTGTAATGGGAATGATGTTTTATTATC[T>G]TTTTCCTTACCACTCAAAGATACATTTTTAGCAAATGGCCCTGAATTTCTAAATTCCGTT-3'
Protein context (NP_955452.3, residues 1098-1118): AKNVSLSGKE[Lys1108Asn]DNKTSFPLQI